The following is an entry in ClinVar:

ClinVar aggregate classification (germline): Uncertain significance. Review status: criteria provided, multiple submitters, no conflicts (2 of 4 stars). 2 submissions from 2 submitters: Uncertain significance (2). Last evaluated 2025-09-16.

Conditions:
Emery-Dreifuss muscular dystrophy 5, autosomal dominant (EDMD5). Also called: EMERY-DREIFUSS MUSCULAR DYSTROPHY 5. Identifiers: Orphanet 261, MedGen C2751805, MONDO:0013072, OMIM 612999.

gnomAD v4.1: 7 of 1,614,076 alleles (0.00043%); highest among the groups gnomAD compares: East Asian, 0.0022%; no homozygotes.

Submissions (2):

Labcorp Genetics (formerly Invitae), Labcorp
Classification: Uncertain significance for Emery-Dreifuss muscular dystrophy 5, autosomal dominant. Last evaluated: 2025-09-16. Review status: criteria provided, single submitter. Criteria: Invitae Variant Classification Sherloc (09022015). Collection method: clinical testing. Allele origin: germline.
Comment: This sequence change replaces arginine, which is basic and polar, with glutamine, which is neutral and polar, at codon 6202 of the SYNE2 protein (p.Arg6202Gln). This variant is present in population databases (no rsID available, gnomAD 0.006%). This variant has not been reported in the literature in individuals affected with SYNE2-related conditions. An algorithm developed to predict the effect of missense changes on protein structure and function (PolyPhen-2) suggests that this variant is likely to be disruptive. In summary, the available evidence is currently insufficient to determine the role of this variant in disease. Therefore, it has been classified as a Variant of Uncertain Significance.

Ambry Genetics
Classification: Uncertain significance. Last evaluated: 2025-06-30. Review status: criteria provided, single submitter. Criteria: Ambry Variant Classification Scheme 2023. Collection method: clinical testing. Allele origin: germline.

NM_182914.3(SYNE2):c.18605G>A (p.Arg6202Gln)

Gene: SYNE2 (spectrin repeat containing nuclear envelope protein 2; plus strand). Cytogenetic location: 14q23.2.
Variant type: single nucleotide variant.
Coding change: c.18605G>A on transcript NM_182914.3 (MANE Select); coding-DNA position 18605, G replaced by A.
Protein change: p.Arg6202Gln; replaces arginine 6202 with glutamine.
Molecular consequence: missense variant.
Genome position (GRCh38, 1-based): chr14:64,210,006, G>A. VCF-style: chr14-64210006-G-A. GRCh37 (hg19) VCF-style: chr14-64676724-G-A.
Other names: c.18605G>A, p.Arg6202Gln (NM_015180.6); short protein forms R6202Q.
Identifiers: ClinVar variation 4178581 (VCV004178581.2).